The following is an entry in ClinVar:

ClinVar aggregate classification (germline): Uncertain significance (1 of 4 stars; one submission).

gnomAD v4.1: 3 of 1,613,756 alleles (0.00019%); highest among the groups gnomAD compares: African/African-American, 0.0013%; no homozygotes.

Submission:

Women's Health and Genetics/Laboratory Corporation of America, LabCorp
Classification: Uncertain significance. Last evaluated: 2024-08-26. Review status: criteria provided, single submitter. Criteria: LabCorp Variant Classification Summary - May 2015. Collection method: clinical testing. Allele origin: germline.
Comment: Variant summary: GFPT1 c.1208G>A (p.Arg403His) results in a non-conservative amino acid change located in the SIS domain (IPR001347) of the encoded protein sequence. Five of five in-silico tools predict a damaging effect of the variant on protein function. The variant allele was found at a frequency of 1.9e-06 in 1613756 control chromosomes. The available data on variant occurrences in the general population are insufficient to allow any conclusion about variant significance. c.1208G>A has been reported in the literature in at least one compound heterozygous individual affected with Congenital Myasthenic Syndrome (e.g. Senderek_2011, Zoltowska_2013). These report(s) do not provide unequivocal conclusions about association of the variant with Congenital Myasthenic Syndrome. To our knowledge, no experimental evidence demonstrating an impact on protein function has been reported. The following publications have been ascertained in the context of this evaluation (PMID: 21310273, 23569079). No submitters have cited clinical-significance assessments for this variant to ClinVar. Based on the evidence outlined above, the variant was classified as uncertain significance.

Literature cited by the submitters: PubMed 21310273; PubMed 23569079.

NM_001244710.2(GFPT1):c.1208G>A (p.Arg403His)

Gene: GFPT1 (glutamine--fructose-6-phosphate transaminase 1; minus strand). Cytogenetic location: 2p13.3.
Variant type: single nucleotide variant.
Coding change: c.1208G>A on transcript NM_001244710.2 (MANE Select); coding-DNA position 1208, G replaced by A.
Protein change: p.Arg403His; replaces arginine 403 with histidine.
Molecular consequence: missense variant.
Genome position (GRCh38, 1-based): chr2:69,338,561, C>T on the plus strand (G>A on the coding strand, the complement: GFPT1 is on the minus strand). VCF-style: chr2-69338561-C-T. GRCh37 (hg19) VCF-style: chr2-69565693-C-T.
Other names: c.1154G>A, p.Arg385His (NM_002056.4); short protein forms R385H, R403H.
Identifiers: ClinVar variation 3366592 (VCV003366592.1).
Genomic context (GRCh38, chr2:69,338,561, plus strand): 5'-AGGAAGTCACTTGCTAGTTCCACCATCACAGGCAACTCAGTCAGCTCCTCAAGAACTTGA[C>T]GTGTCTGCAGAGAAAATATGACTTGGTCACAGAACTTTCCTTCAAATACTCTTTCATCGG-3'
Protein context (NP_001231639.1, residues 393-413): GTSYHAGVAT[Arg403His]QVLEELTELP